The following is an entry in ClinVar:

NM_014889.4(PITRM1):c.1962C>T (p.Pro654=)

Genes: PITRM1-AS1 (PITRM1 antisense RNA 1; plus strand), PITRM1 (pitrilysin metallopeptidase 1; minus strand). Cytogenetic location: 10p15.2.
Variant type: single nucleotide variant.
Coding change: c.1962C>T on transcript NM_014889.4 (MANE Select); coding-DNA position 1962, C replaced by T.
Protein change: p.Pro654=; no amino-acid change (proline 654 retained).
Molecular consequence: synonymous variant. On other transcripts: non-coding transcript variant (5), intron variant (4).
Genome position (GRCh38, 1-based): chr10:3,148,201, G>A on the plus strand (C>T on the coding strand, the complement: PITRM1 is on the minus strand). VCF-style: chr10-3148201-G-A. GRCh37 (hg19) VCF-style: chr10-3190393-G-A.
Other names: c.1962C>T (NM_001242307.1); c.1848-464C>T (NM_001347730.1); c.1776-464C>T (NM_001242309.1); c.1257-464C>T (NM_001347726.2); c.1872-464C>T (NM_001347725.2); c.1962C>T, p.Pro654= (NM_001242307.2); c.1347C>T, p.Pro449= (NM_001347727.2); c.657C>T, p.Pro219= (NM_001347728.2); and 1 more.
Identifiers: ClinVar variation 2640281 (VCV002640281.25), dbSNP rs148781123, ClinGen allele CA5387603.

ClinVar aggregate classification (germline): Likely benign. Review status: criteria provided, single submitter (1 of 4 stars). 2 submissions from 2 submitters: Likely benign (1). 1 of the submissions does not count toward it. Last evaluated 2025-09-01.

Conditions:
PITRM1-related disorder. Also called: PITRM1-related condition.

Allele frequency attached by ClinVar (database versions not stated): gnomAD 0.00269; 1000 Genomes Project 30x 0.00281; TOPMed 0.00285; ESP Exome Variant Server 0.00330; 1000 Genomes Project 0.00339.
gnomAD v4.1: 1,762 of 1,613,944 alleles (0.11%); highest among the groups gnomAD compares: African/African-American, 0.83%; 7 homozygotes.

Submissions (2):

CeGaT Center for Human Genetics Tuebingen
Classification: Likely benign. Last evaluated: 2025-09-01. Review status: criteria provided, single submitter. Criteria: CeGaT Center For Human Genetics Tuebingen Variant Classification Criteria Version 2. Collection method: clinical testing. Allele origin: germline. Affected: yes. Observed: 4 variant alleles.
Comment: PITRM1: BP4, BP7

PreventionGenetics, part of Exact Sciences
Classification: Benign for PITRM1-related condition. Last evaluated: 2020-01-28. Review status: no assertion criteria provided. Collection method: clinical testing. Allele origin: germline. Not counted in ClinVar's aggregate classification.
Comment: This variant is classified as benign based on ACMG/AMP sequence variant interpretation guidelines (Richards et al. 2015 PMID: 25741868, with internal and published modifications).